The following is an entry in ClinVar:

ClinVar aggregate classification (germline): Conflicting classifications of pathogenicity. Review status: criteria provided, conflicting classifications (1 of 4 stars). 3 submissions from 3 submitters: Uncertain significance (2); Likely benign (1). Last evaluated 2026-07-20.

Conditions:
Beckwith-Wiedemann syndrome (BWS). Also called: Exomphalos macroglossia gigantism syndrome; EMG SYNDROME. Identifiers: Orphanet 116, MedGen C0004903, MONDO:0007534, OMIM 130650.
Inborn genetic diseases. Identifiers: MedGen C0950123, MeSH D030342.

gnomAD v4.1: 17 of 1,499,954 alleles (0.0011%); highest among the groups gnomAD compares: Non-Finnish European, 0.0015%; no homozygotes.

Submissions (3):

Ambry Genetics
Classification: Uncertain significance for Inborn genetic diseases. Last evaluated: 2026-07-20. Review status: criteria provided, single submitter. Criteria: Ambry Variant Classification Scheme 2023. Collection method: clinical testing. Allele origin: germline.

Labcorp Genetics (formerly Invitae), Labcorp
Classification: Uncertain significance for Beckwith-Wiedemann syndrome. Last evaluated: 2023-09-10. Review status: criteria provided, single submitter. Criteria: Invitae Variant Classification Sherloc (09022015). Collection method: clinical testing. Allele origin: germline.
Comment: In summary, the available evidence is currently insufficient to determine the role of this variant in disease. Therefore, it has been classified as a Variant of Uncertain Significance. Advanced modeling of protein sequence and biophysical properties (such as structural, functional, and spatial information, amino acid conservation, physicochemical variation, residue mobility, and thermodynamic stability) performed at Invitae indicates that this missense variant is not expected to disrupt CDKN1C protein function. ClinVar contains an entry for this variant (Variation ID: 1465170). This variant has not been reported in the literature in individuals affected with CDKN1C-related conditions. This variant is not present in population databases (gnomAD no frequency). This sequence change replaces proline, which is neutral and non-polar, with glutamine, which is neutral and polar, at codon 117 of the CDKN1C protein (p.Pro117Gln).

Blueprint Genetics
Classification: Likely benign. Last evaluated: 2020-03-12. Review status: criteria provided, single submitter. Criteria: ACMG Guidelines, 2015. Collection method: clinical testing. Allele origin: germline.

NM_001122630.2(CDKN1C):c.317C>A (p.Pro106Gln)

Gene: CDKN1C (cyclin dependent kinase inhibitor 1C; minus strand). Cytogenetic location: 11p15.4.
Variant type: single nucleotide variant.
Coding change: c.317C>A on transcript NM_001122630.2 (MANE Select); coding-DNA position 317, C replaced by A.
Protein change: p.Pro106Gln; replaces proline 106 with glutamine.
Molecular consequence: missense variant. On other transcripts: intron variant (1).
Genome position (GRCh38, 1-based): chr11:2,885,140, G>T on the plus strand (C>A on the coding strand, the complement: CDKN1C is on the minus strand). VCF-style: chr11-2885140-G-T. GRCh37 (hg19) VCF-style: chr11-2906370-G-T.
Other names: c.350C>A, p.Pro117Gln (NM_000076.2, NM_001362474.2); c.317C>A, p.Pro106Gln (NM_001122631.2); c.255+62C>A (NM_001362475.2); short protein forms P106Q, P117Q.
Identifiers: ClinVar variation 1465170 (VCV001465170.10), dbSNP rs945890937, ClinGen allele CA379146879.